The following is an entry in ClinVar:

NM_018418.5(SPATA7):c.451G>A (p.Val151Ile)

Gene: SPATA7 (spermatogenesis associated 7; plus strand). Cytogenetic location: 14q31.3.
Variant type: single nucleotide variant.
Coding change: c.451G>A on transcript NM_018418.5 (MANE Select); coding-DNA position 451, G replaced by A.
Protein change: p.Val151Ile; replaces valine 151 with isoleucine.
Molecular consequence: missense variant.
Genome position (GRCh38, 1-based): chr14:88,426,310, G>A. VCF-style: chr14-88426310-G-A. GRCh37 (hg19) VCF-style: chr14-88892654-G-A.
Other names: c.355G>A, p.Val119Ile (NM_001040428.4); short protein forms V151I, V119I.
Identifiers: ClinVar variation 2009294 (VCV002009294.4), dbSNP rs775560988, ClinGen allele CA7298534.

ClinVar aggregate classification (germline): Uncertain significance (1 of 4 stars; one submission).

Conditions:
Leber congenital amaurosis 3 (LCA3). Also called: SPATA7-Related Retinitis Pigmentosa. Identifiers: MedGen C1858677, MONDO:0011415, OMIM 604232.

Allele frequency attached by ClinVar (database versions not stated): gnomAD exomes below 0.00001; ExAC 0.00001; gnomAD 0.00001.
gnomAD v4.1: 5 of 1,614,002 alleles (0.00031%); highest among the groups gnomAD compares: South Asian, 0.0044%; no homozygotes.

Submission:

Labcorp Genetics (formerly Invitae), Labcorp
Classification: Uncertain significance for Leber congenital amaurosis 3. Last evaluated: 2023-07-10. Review status: criteria provided, single submitter. Criteria: Invitae Variant Classification Sherloc (09022015). Collection method: clinical testing. Allele origin: germline.
Comment: This variant is present in population databases (rs775560988, gnomAD 0.006%). This sequence change replaces valine, which is neutral and non-polar, with isoleucine, which is neutral and non-polar, at codon 151 of the SPATA7 protein (p.Val151Ile). This variant has not been reported in the literature in individuals affected with SPATA7-related conditions. ClinVar contains an entry for this variant (Variation ID: 2009294). Advanced modeling of protein sequence and biophysical properties (such as structural, functional, and spatial information, amino acid conservation, physicochemical variation, residue mobility, and thermodynamic stability) performed at Invitae indicates that this missense variant is not expected to disrupt SPATA7 protein function. In summary, the available evidence is currently insufficient to determine the role of this variant in disease. Therefore, it has been classified as a Variant of Uncertain Significance.